The following is an entry in ClinVar:

NC_000007.13:g.(?_95813569)_(95951268_?)del

Gene: SLC25A13 (solute carrier family 25 member 13; minus strand). Cytogenetic location: 7q21.3.
Variant type: Deletion.
Identifiers: ClinVar variation 3245771 (VCV003245771.1).

ClinVar aggregate classification (germline): Pathogenic (1 of 4 stars; one submission).

Conditions:
Citrin deficiency. Identifiers: Orphanet 247582, MedGen C1997910, MONDO:0016602.

Submission:

Labcorp Genetics (formerly Invitae), Labcorp
Classification: Pathogenic for Citrin deficiency. Last evaluated: 2023-02-14. Review status: criteria provided, single submitter. Criteria: Invitae Variant Classification Sherloc (09022015). Collection method: clinical testing. Allele origin: unknown.
Comment: This variant is a gross deletion of the genomic region encompassing exon(s) 1-11 of the SLC25A13 gene, which includes the initiator codon. This deletion extends beyond the assayed region for this gene and therefore may encompass additional genes. It is expected to result in an absent or disrupted protein product. Loss-of-function variants in SLC25A13 are known to be pathogenic (PMID: 10369257, 14680984, 27405544). This variant has not been reported in the literature in individuals affected with SLC25A13-related conditions. For these reasons, this variant has been classified as Pathogenic.

Literature cited by the submitters: PubMed 10369257; PubMed 14680984; PubMed 27405544.